The following is an entry in ClinVar:

ClinVar aggregate classification (germline): Pathogenic (1 of 4 stars; one submission).

Conditions:
Mucolipidosis type II. Also called: ML II ALPHA/BETA; Mucolipidosis 2; ML 2; Inclusion cell disease; Leroy Disease; N-acetylglucosamine 1phosphotransferase deficiency. Identifiers: Orphanet 576, MedGen C2673377, MONDO:0009650, OMIM 252500.
Pseudo-Hurler polydystrophy. Also called: ML III; ML III ALPHA/BETA; Type III Mucolipidosis; ML IIIA; Mucolipidosis III Alpha/Beta; MUCOLIPIDOSIS IIIA. Identifiers: Orphanet 423461, Orphanet 577, MedGen C0033788, MONDO:0018931, OMIM 252600.

Submission:

Labcorp Genetics (formerly Invitae), Labcorp
Classification: Pathogenic for Pseudo-Hurler polydystrophy; Mucolipidosis type II. Last evaluated: 2022-10-15. Review status: criteria provided, single submitter. Criteria: Invitae Variant Classification Sherloc (09022015). Collection method: clinical testing. Allele origin: germline.
Comment: This sequence change creates a premature translational stop signal (p.Lys979Valfs*9) in the GNPTAB gene. It is expected to result in an absent or disrupted protein product. Loss-of-function variants in GNPTAB are known to be pathogenic (PMID: 19617216, 25107912). For these reasons, this variant has been classified as Pathogenic. This variant has not been reported in the literature in individuals affected with GNPTAB-related conditions. This variant is not present in population databases (gnomAD no frequency).

Literature cited by the submitters: PubMed 19617216; PubMed 25107912.

NM_024312.5(GNPTAB):c.2935_2939del (p.Lys979fs)

Gene: GNPTAB (N-acetylglucosamine-1-phosphate transferase subunits alpha and beta; minus strand). Cytogenetic location: 12q23.2.
Variant type: Deletion.
Coding change: c.2935_2939del on transcript NM_024312.5 (MANE Select); coding-DNA positions 2935 to 2939, 5 bases deleted (AAGAC; older notation c.2935_2939delAAGAC).
Protein change: p.Lys979fs; shifts the reading frame from lysine 979.
Molecular consequence: frameshift variant.
Genome position (GRCh38, 1-based): chr12:101,761,323-101,761,327, GTCTT deleted on the plus strand (AAGAC on the coding strand, the reverse complement: GNPTAB is on the minus strand); deleting any 5 consecutive bases within chr12:101,761,323-101,761,330 gives the same sequence; the c. name uses the placement nearest the transcript's 3' end. VCF-style (leftmost placement, unchanged base first): chr12-101761322-CGTCTT-C. GRCh37 (hg19) VCF-style: chr12-102155100-CGTCTT-C.
Other names: short protein forms K979fs.
Identifiers: ClinVar variation 2940875 (VCV002940875.3), dbSNP rs2547954498, ClinGen allele CA2740092559.